The following is an entry in ClinVar:

ClinVar aggregate classification (germline): Uncertain significance (1 of 4 stars; one submission).

Submission:

GeneDx
Classification: Uncertain significance. Last evaluated: 2023-07-20. Review status: criteria provided, single submitter. Criteria: GeneDx Variant Classification Process June 2021. Collection method: clinical testing. Allele origin: germline. Affected: yes.
Comment: Not observed at significant frequency in large population cohorts (gnomAD); In silico analysis supports that this missense variant does not alter protein structure/function; Has not been previously published as pathogenic or benign to our knowledge

NM_213595.4(ISCU):c.64C>G (p.Arg22Gly)

Gene: ISCU (iron-sulfur cluster assembly enzyme; plus strand). Cytogenetic location: 12q23.3.
Variant type: single nucleotide variant.
Coding change: c.64C>G on transcript NM_213595.4 (MANE Select); coding-DNA position 64, C replaced by G.
Protein change: p.Arg22Gly; replaces arginine 22 with glycine.
Molecular consequence: missense variant. On other transcripts: 5 prime UTR variant (1), non-coding transcript variant (1).
Genome position (GRCh38, 1-based): chr12:108,562,686, C>G. VCF-style: chr12-108562686-C-G. GRCh37 (hg19) VCF-style: chr12-108956462-C-G.
Other names: c.64C>G, p.Arg22Gly (NM_001301140.1, NM_001301141.1, NM_001320042.1); c.-108C>G (NM_014301.4); short protein forms R22G.
Identifiers: ClinVar variation 3361432 (VCV003361432.1).